The following is an entry in ClinVar:

NM_001144967.3(NEDD4L):c.338G>T (p.Ser113Ile)

Genes: NEDD4L (NEDD4 like E3 ubiquitin protein ligase; plus strand), LOC126862763 (CDK7 strongly-dependent group 2 enhancer GRCh37_chr18:55982687-55983886; plus strand). Cytogenetic location: 18q21.31.
Variant type: single nucleotide variant.
Coding change: c.338G>T on transcript NM_001144967.3 (MANE Select); coding-DNA position 338, G replaced by T.
Protein change: p.Ser113Ile; replaces serine 113 with isoleucine.
Molecular consequence: missense variant. On other transcripts: 5 prime UTR variant (5).
Genome position (GRCh38, 1-based): chr18:58,316,022, G>T. VCF-style: chr18-58316022-G-T. GRCh37 (hg19) VCF-style: chr18-55983254-G-T.
Other names: c.-26G>T (NM_001144964.1, NM_001144965.2, NM_001144966.3 and 2 more transcripts); c.314G>T, p.Ser105Ile (NM_001144968.2, NM_001144969.2); c.338G>T, p.Ser113Ile (NM_001243960.2, NM_015277.6); short protein forms S105I, S113I.
Identifiers: ClinVar variation 1304106 (VCV001304106.3), dbSNP rs1217133917, ClinGen allele CA402548240.
Genomic context (GRCh38, chr18:58,316,022, plus strand): 5'-CTTTGTTCTCTTCCTAACAGACACGAGACGACTTCCTGGGCCAGGTGGACGTGCCCCTTA[G>T]TCACCTTCCGGTAAGGACAGTCTCATGTTTGATGCTTCGTGCTGGGGGCGGGGGTTTCTA-3'
Protein context (NP_001138439.1, residues 103-123): DFLGQVDVPL[Ser113Ile]HLPTEDPTME

ClinVar aggregate classification (germline): Uncertain significance. Review status: criteria provided, multiple submitters, no conflicts (2 of 4 stars). 2 submissions from 2 submitters: Uncertain significance (2). Last evaluated 2026-01-22.

Allele frequency attached by ClinVar (database versions not stated): TOPMed 0.00001.

Submissions (2):

Labcorp Genetics (formerly Invitae), Labcorp
Classification: Uncertain significance. Last evaluated: 2026-01-22. Review status: criteria provided, single submitter. Criteria: Invitae Variant Classification Sherloc (09022015). Collection method: clinical testing. Allele origin: germline.
Comment: This sequence change replaces serine, which is neutral and polar, with isoleucine, which is neutral and non-polar, at codon 113 of the NEDD4L protein (p.Ser113Ile). This variant is not present in population databases (gnomAD no frequency). This variant has not been reported in the literature in individuals affected with NEDD4L-related conditions. ClinVar contains an entry for this variant (Variation ID: 1304106). Invitae Evidence Modeling of protein sequence and biophysical properties (such as structural, functional, and spatial information, amino acid conservation, physicochemical variation, residue mobility, and thermodynamic stability) indicates that this missense variant is not expected to disrupt NEDD4L protein function with a negative predictive value of 80%. In summary, the available evidence is currently insufficient to determine the role of this variant in disease. Therefore, it has been classified as a Variant of Uncertain Significance.

GeneDx
Classification: Uncertain significance. Last evaluated: 2021-01-05. Review status: criteria provided, single submitter. Criteria: GeneDx Variant Classification Process June 2021. Collection method: clinical testing. Allele origin: germline. Affected: yes.
Comment: Not observed in large population cohorts (Lek et al., 2016); In silico analysis, which includes protein predictors and evolutionary conservation, supports that this variant does not alter protein structure/function; Has not been previously published as pathogenic or benign to our knowledge